The following is an entry in ClinVar:

NM_000051.4(ATM):c.-32_-31dup

Gene: ATM (ATM serine/threonine kinase; plus strand). Cytogenetic location: 11q22.3.
Variant type: Duplication.
Coding change: c.-32_-31dup on transcript NM_000051.4 (MANE Select); 32 bases upstream of the start codon through 31 bases upstream of the start codon, 2 bases duplicated (TG; older notation c.-32_-31dupTG).
Molecular consequence: 5 prime UTR variant.
Genome position (GRCh38, 1-based): chr11:108,223,185-108,223,186, TG duplicated; duplicating any 2 consecutive bases within chr11:108,223,184-108,223,186 gives the same sequence; the c. name uses the placement nearest the transcript's 3' end. VCF-style (leftmost placement, unchanged base first): chr11-108223183-A-AGT. GRCh37 (hg19) VCF-style: chr11-108093910-A-AGT.
Other names: c.-120_-119dup (NM_001351834.2); c.-32_-31dup (NM_001351835.2); c.-32_-31dupTG (NM_000051.3).
Identifiers: ClinVar variation 234796 (VCV000234796.1), dbSNP rs876661223, ClinGen allele CA10577423.

ClinVar aggregate classification (germline): Uncertain significance (1 of 4 stars; one submission).

Submission:

GeneDx
Classification: Uncertain significance. Last evaluated: 2017-01-04. Review status: criteria provided, single submitter. Criteria: GeneDx Variant Classification (06012015). Collection method: clinical testing. Allele origin: germline. Affected: yes.
Comment: This variant is denoted ATM c.-32_-31dupTG, and describes a duplication in the first exon of the ATM gene, which is located within the 5' untranslated region (UTR). The surrounding sequence, with the bases that are duplicated in braces, is GCAG{TG}gtag where the capital letters are exonic and lowercase are intronic. While several in silico splicing models are uninformative an effect on splicing cannot be ruled out in the absence of RNA or functional studies. This variant has not, to our knowledge, been published in the literature as pathogenic or benign. This duplication was not observed in 1000 Genomes and this location is not covered in the NHLBI Exome Sequencing Project. At this time, we consider ATM c.-32_-31dupTG to be a variant of uncertain significance.